The following is an entry in ClinVar:

ClinVar aggregate classification (germline): Uncertain significance (1 of 4 stars; one submission).

Submission:

Labcorp Genetics (formerly Invitae), Labcorp
Classification: Uncertain significance. Last evaluated: 2022-07-19. Review status: criteria provided, single submitter. Criteria: Invitae Variant Classification Sherloc (09022015). Collection method: clinical testing. Allele origin: germline.
Comment: A copy number gain of the genomic region encompassing the full coding sequence of the DMRT2 gene has been identified. The boundaries of this event are unknown as they extend beyond the assayed region for this gene and therefore may encompass additional genes. As the precise location of this event is unknown, it may be in tandem or it may be located elsewhere in the genome. This variant has not been reported in the literature in individuals affected with DMRT2-related conditions. In summary, the available evidence is currently insufficient to determine the role of this variant in disease. Therefore, it has been classified as a Variant of Uncertain Significance.

NC_000009.11:g.(?_1051614)_(1055774_?)dup

Gene: DMRT2 (doublesex and mab-3 related transcription factor 2; plus strand). Cytogenetic location: 9p24.3.
Variant type: Duplication.
Identifiers: ClinVar variation 2425604 (VCV002425604.3).